The following is an entry in ClinVar:

ClinVar aggregate classification (germline): Uncertain significance. Review status: criteria provided, multiple submitters, no conflicts (2 of 4 stars). 2 submissions from 2 submitters: Uncertain significance (2). Last evaluated 2026-01-21.

Conditions:
Cardiovascular phenotype. Identifiers: MedGen CN230736.
Dilated cardiomyopathy 1S (CMD1S). Identifiers: Orphanet 154, Orphanet 54260, MedGen C1834481, MONDO:0013262, OMIM 613426.

Submissions (2):

Ambry Genetics
Classification: Uncertain significance for Cardiovascular phenotype. Last evaluated: 2026-01-21. Review status: criteria provided, single submitter. Criteria: Ambry Variant Classification Scheme 2023. Collection method: clinical testing. Allele origin: germline.
Comment: The p.E883D variant (also known as c.2649G>T), located in coding exon 20 of the MYH7 gene, results from a G to T substitution at nucleotide position 2649. The glutamic acid at codon 883 is replaced by aspartic acid, an amino acid with highly similar properties. This variant is located in the myosin head domain, which contains a statistically significant clustering of pathogenic missense variants (Homburger JR et al. Proc Natl Acad Sci U S A, 2016 06;113:6701-6; Walsh R et al. Genet Med, 2017 02;19:192-203; Ambry internal data). This amino acid position is highly conserved in available vertebrate species. In addition, the in silico prediction for this alteration is inconclusive. Based on the available evidence, the clinical significance of this variant remains unclear.

Mayo Clinic Laboratories, Mayo Clinic
Classification: Uncertain significance for Dilated cardiomyopathy 1S. Last evaluated: 2016-12-29. Review status: criteria provided, single submitter. Criteria: ACMG Guidelines, 2015. Collection method: clinical testing. Allele origin: maternal.

NM_000257.4(MYH7):c.2649G>T (p.Glu883Asp)

Genes: MYH7 (myosin heavy chain 7; minus strand), LOC126861898 (BRD4-independent group 4 enhancer GRCh37_chr14:23893609-23894808; plus strand). Cytogenetic location: 14q11.2.
Variant type: single nucleotide variant.
Coding change: c.2649G>T on transcript NM_000257.4 (MANE Select); coding-DNA position 2649, G replaced by T.
Protein change: p.Glu883Asp; replaces glutamic acid 883 with aspartic acid.
Molecular consequence: missense variant.
Genome position (GRCh38, 1-based): chr14:23,424,799, C>A on the plus strand (G>T on the coding strand, the complement: MYH7 is on the minus strand). VCF-style: chr14-23424799-C-A. GRCh37 (hg19) VCF-style: chr14-23894008-C-A.
Other names: short protein forms E883D.
Identifiers: ClinVar variation 547897 (VCV000547897.6), dbSNP rs140434009, ClinGen allele CA389047891.